The following is an entry in ClinVar:

NM_006440.5(TXNRD2):c.90_101dup (p.27_30RGAA[3])

Genes: TXNRD2 (thioredoxin reductase 2; minus strand), LOC130066960 (ATAC-STARR-seq lymphoblastoid silent region 13467; plus strand). Cytogenetic location: 22q11.21.
Variant type: Duplication.
Coding change: c.90_101dup on transcript NM_006440.5 (MANE Select); coding-DNA positions 90 to 101, 12 bases duplicated (GCGGGGCGCAGC).
Protein change: p.27_30RGAA[3].
Molecular consequence: inframe insertion. On other transcripts: non-coding transcript variant (1).
Genome position (GRCh38, 1-based): chr22:19,941,703-19,941,714, GCTGCGCCCCGC duplicated on the plus strand (GCGGGGCGCAGC on the coding strand, the reverse complement: TXNRD2 is on the minus strand); duplicating any 12 consecutive bases within chr22:19,941,703-19,941,716 gives the same sequence; the c. name uses the placement nearest the transcript's 3' end. VCF-style (leftmost placement, unchanged base first): chr22-19941702-T-TGCTGCGCCCCGC. GRCh37 (hg19) VCF-style: chr22-19929225-T-TGCTGCGCCCCGC.
Other names: c.90_101dup, p.27_30RGAA[3] (NM_001282512.3, NM_001352300.2).
Identifiers: ClinVar variation 650091 (VCV000650091.10), dbSNP rs1008629337, ClinGen allele CA322111610.

ClinVar aggregate classification (germline): Uncertain significance. Review status: criteria provided, multiple submitters, no conflicts (2 of 4 stars). 2 submissions from 2 submitters: Uncertain significance (2). Last evaluated 2025-12-22.

Conditions:
Cardiovascular phenotype. Identifiers: MedGen CN230736.
Primary dilated cardiomyopathy (DCM). Also called: Dilated Cardiomyopathy. Identifiers: Orphanet 217604, MedGen C0007193, MeSH D002311, MONDO:0005021, HP:0001644. Inheritance: Various modes of inheritance.

Submissions (2):

Labcorp Genetics (formerly Invitae), Labcorp
Classification: Uncertain significance for Primary dilated cardiomyopathy. Last evaluated: 2025-12-22. Review status: criteria provided, single submitter. Criteria: Invitae Variant Classification Sherloc (09022015). Collection method: clinical testing. Allele origin: germline.
Comment: This variant, c.90_101dup, results in the insertion of 4 amino acid(s) to the TXNRD2 protein (p.Arg31_Ala34dup), but otherwise preserves the integrity of the reading frame. This variant is present in population databases (no rsID available, gnomAD 0.01%). This variant has not been reported in the literature in individuals affected with TXNRD2-related conditions. ClinVar contains an entry for this variant (Variation ID: 650091). Experimental studies and prediction algorithms are not available or were not evaluated, and the functional significance of this variant is currently unknown. In summary, the available evidence is currently insufficient to determine the role of this variant in disease. Therefore, it has been classified as a Variant of Uncertain Significance.

Ambry Genetics
Classification: Uncertain significance for Cardiovascular phenotype. Last evaluated: 2025-10-28. Review status: criteria provided, single submitter. Criteria: Ambry Variant Classification Scheme 2023. Collection method: clinical testing. Allele origin: germline.
Comment: The c.90_101dup12 variant (also known as p.R31_A34dup), located in coding exon 1 of the TXNRD2 gene, results from an in-frame duplication of 12 nucleotides at nucleotide positions 90 to 101. This results in the duplication of 4 extra residues (RGAA) between codons 31 and 34. These amino acid positions are not well conserved in available vertebrate species. This alteration is predicted to be neutral by in silico analysis (Choi Y et al. PLoS ONE. 2012; 7(10):e46688). The evidence for this gene-disease relationship is limited; therefore, the clinical significance of this alteration is unclear.